The following is an entry in ClinVar:

ClinVar aggregate classification (germline): Uncertain significance. Review status: criteria provided, multiple submitters, no conflicts (2 of 4 stars). 2 submissions from 2 submitters: Uncertain significance (2). Last evaluated 2025-11-03.

Conditions:
Inborn genetic diseases. Identifiers: MedGen C0950123, MeSH D030342.

Submissions (2):

Ambry Genetics
Classification: Uncertain significance for Inborn genetic diseases. Last evaluated: 2025-11-03. Review status: criteria provided, single submitter. Criteria: Ambry Variant Classification Scheme 2023. Collection method: clinical testing. Allele origin: germline.
Comment: The p.H179Y variant (also known as c.535C>T), located in coding exon 5 of the USB1 gene, results from a C to T substitution at nucleotide position 535. The histidine at codon 179 is replaced by tyrosine, an amino acid with similar properties. This amino acid position is conserved. In addition, this alteration is predicted to be tolerated by in silico analysis. Based on the available evidence, the clinical significance of this variant remains unclear.

Labcorp Genetics (formerly Invitae), Labcorp
Classification: Uncertain significance. Last evaluated: 2022-03-25. Review status: criteria provided, single submitter. Criteria: Invitae Variant Classification Sherloc (09022015). Collection method: clinical testing. Allele origin: germline.
Comment: This sequence change replaces histidine, which is basic and polar, with tyrosine, which is neutral and polar, at codon 179 of the USB1 protein (p.His179Tyr). This variant is not present in population databases (gnomAD no frequency). This variant has not been reported in the literature in individuals affected with USB1-related conditions. Algorithms developed to predict the effect of missense changes on protein structure and function are either unavailable or do not agree on the potential impact of this missense change (SIFT: "Not Available"; PolyPhen-2: "Benign"; Align-GVGD: "Not Available"). In summary, the available evidence is currently insufficient to determine the role of this variant in disease. Therefore, it has been classified as a Variant of Uncertain Significance.

NM_024598.4(USB1):c.535C>T (p.His179Tyr)

Gene: USB1 (U6 snRNA biogenesis phosphodiesterase 1; plus strand). Cytogenetic location: 16q21.
Variant type: single nucleotide variant.
Coding change: c.535C>T on transcript NM_024598.4 (MANE Select); coding-DNA position 535, C replaced by T.
Protein change: p.His179Tyr; replaces histidine 179 with tyrosine.
Molecular consequence: missense variant.
Genome position (GRCh38, 1-based): chr16:58,017,365, C>T. VCF-style: chr16-58017365-C-T. GRCh37 (hg19) VCF-style: chr16-58051269-C-T.
Other names: c.481C>T, p.His161Tyr (NM_001195302.2); c.382C>T, p.His128Tyr (NM_001330568.2); short protein forms H128Y, H161Y, H179Y.
Identifiers: ClinVar variation 2116863 (VCV002116863.2), dbSNP rs762828282, ClinGen allele CA281639217.